The following is an entry in ClinVar:

ClinVar aggregate classification (germline): Uncertain significance. Review status: criteria provided, multiple submitters, no conflicts (2 of 4 stars). 2 submissions from 2 submitters: Uncertain significance (2). Last evaluated 2020-03-20.

Conditions:
Developmental and epileptic encephalopathy, 9 (DEE9). Also called: JUBERG-HELLMAN SYNDROME; PCDH19-Related X-Linked Female-Limited Epilepsy with Mental Retardation; Early infantile epileptic encephalopathy 9; EPILEPSY, FEMALE-RESTRICTED, WITH MENTAL RETARDATION. Identifiers: Orphanet 101039, Orphanet 2076, MedGen C1848137, MONDO:0010246, OMIM 300088. Disease mechanism: loss of function.
Inborn genetic diseases. Identifiers: MedGen C0950123, MeSH D030342.

Submissions (2):

Labcorp Genetics (formerly Invitae), Labcorp
Classification: Uncertain significance for Developmental and epileptic encephalopathy, 9. Last evaluated: 2020-03-20. Review status: criteria provided, single submitter. Criteria: Invitae Variant Classification Sherloc (09022015). Collection method: clinical testing. Allele origin: germline.
Comment: In summary, the available evidence is currently insufficient to determine the role of this variant in disease. Therefore, it has been classified as a Variant of Uncertain Significance. Algorithms developed to predict the effect of missense changes on protein structure and function (SIFT, PolyPhen-2, Align-GVGD) all suggest that this variant is likely to be disruptive, but these predictions have not been confirmed by published functional studies and their clinical significance is uncertain. This variant has not been reported in the literature in individuals with PCDH19-related conditions. This variant is not present in population databases (ExAC no frequency). This sequence change replaces tyrosine with cysteine at codon 366 of the PCDH19 protein (p.Tyr366Cys). The tyrosine residue is highly conserved and there is a large physicochemical difference between tyrosine and cysteine.

Ambry Genetics
Classification: Uncertain significance for Inborn genetic diseases. Last evaluated: 2018-08-28. Review status: criteria provided, single submitter. Criteria: Ambry Variant Classification Scheme 2023. Collection method: clinical testing. Allele origin: germline.
Comment: The p.Y366C variant (also known as c.1097A>G), located in coding exon 1 of the PCDH19 gene, results from an A to G substitution at nucleotide position 1097. The tyrosine at codon 366 is replaced by cysteine, an amino acid with highly dissimilar properties. This amino acid position is well conserved in available vertebrate species. In addition, the in silico prediction for this alteration is inconclusive. Since supporting evidence is limited at this time, the clinical significance of this alteration remains unclear.

NM_001184880.2(PCDH19):c.1097A>G (p.Tyr366Cys)

Gene: PCDH19 (protocadherin 19; minus strand). Cytogenetic location: Xq22.1.
Variant type: single nucleotide variant.
Coding change: c.1097A>G on transcript NM_001184880.2 (MANE Select); coding-DNA position 1097, A replaced by G.
Protein change: p.Tyr366Cys; replaces tyrosine 366 with cysteine.
Molecular consequence: missense variant.
Genome position (GRCh38, 1-based): chrX:100,407,501, T>C on the plus strand (A>G on the coding strand, the complement: PCDH19 is on the minus strand). VCF-style: chrX-100407501-T-C. GRCh37 (hg19) VCF-style: chrX-99662499-T-C.
Other names: c.1097A>G, p.Tyr366Cys (NM_001105243.2, NM_020766.3); short protein forms Y366C.
Identifiers: ClinVar variation 1011277 (VCV001011277.11), dbSNP rs1928409253, ClinGen allele CA414004252.
Genomic context (GRCh38, chrX:100,407,501, plus strand): 5'-CACTGCACACGTCCATTGAGGCCTGAGTCGCGATCAGACACCCGCACCAAGGCGATCACG[T>C]AGCCCGGGGGGGCGCTCTCGCTGACCTCCACAAGCTCACTGTTGACTGACAGCAGGTTGA-3'
Protein context (NP_001171809.1, residues 356-376): VEVSESAPPG[Tyr366Cys]VIALVRVSDR